The following is an entry in ClinVar:

NM_015459.5(ATL3):c.796C>G (p.Pro266Ala)

Genes: ATL3 (atlastin GTPase 3; minus strand), LNCROPM (lncRNA regulator of PLAAT3 mediated phospholipid metabolism; plus strand). Cytogenetic location: 11q13.1.
Variant type: single nucleotide variant.
Coding change: c.796C>G on transcript NM_015459.5 (MANE Select); coding-DNA position 796, C replaced by G.
Protein change: p.Pro266Ala; replaces proline 266 with alanine.
Molecular consequence: missense variant.
Genome position (GRCh38, 1-based): chr11:63,643,411, G>C on the plus strand (C>G on the coding strand, the complement: ATL3 is on the minus strand). VCF-style: chr11-63643411-G-C. GRCh37 (hg19) VCF-style: chr11-63410883-G-C.
Other names: c.742C>G, p.Pro248Ala (NM_001290048.2); c.745C>G, p.Pro249Ala (NM_001440716.1); c.739C>G, p.Pro247Ala (NM_001440717.1); c.796C>G, p.Pro266Ala (NM_001440718.1); c.691C>G, p.Pro231Ala (NM_001440719.1); c.685C>G, p.Pro229Ala (NM_001440720.1); c.640C>G, p.Pro214Ala (NM_001440721.1); c.583C>G, p.Pro195Ala (NM_001440722.1); short protein forms P249A, P214A, P229A, P248A, P231A, P195A, P247A, P266A.
Identifiers: ClinVar variation 4165075 (VCV004165075.2).

ClinVar aggregate classification (germline): Uncertain significance. Review status: criteria provided, multiple submitters, no conflicts (2 of 4 stars). 2 submissions from 2 submitters: Uncertain significance (2). Last evaluated 2025-08-29.

Conditions:
Neuropathy, hereditary sensory, type 1F. Also called: HSN IF; Hereditary sensory neuropathy type IF. Identifiers: Orphanet 36386, MedGen C3810194, MONDO:0014286, OMIM 615632.
Inborn genetic diseases. Identifiers: MedGen C0950123, MeSH D030342.

gnomAD v4.1: 5 of 1,611,140 alleles (0.00031%); highest among the groups gnomAD compares: Admixed American, 0.005%; no homozygotes.

Submissions (2):

Labcorp Genetics (formerly Invitae), Labcorp
Classification: Uncertain significance for Neuropathy, hereditary sensory, type 1F. Last evaluated: 2025-08-29. Review status: criteria provided, single submitter. Criteria: Invitae Variant Classification Sherloc (09022015). Collection method: clinical testing. Allele origin: germline.
Comment: This sequence change replaces proline, which is neutral and non-polar, with alanine, which is neutral and non-polar, at codon 266 of the ATL3 protein (p.Pro266Ala). This variant is not present in population databases (gnomAD no frequency). This variant has not been reported in the literature in individuals affected with ATL3-related conditions. Invitae Evidence Modeling of protein sequence and biophysical properties (such as structural, functional, and spatial information, amino acid conservation, physicochemical variation, residue mobility, and thermodynamic stability) indicates that this missense variant is expected to disrupt ATL3 protein function with a positive predictive value of 80%. In summary, the available evidence is currently insufficient to determine the role of this variant in disease. Therefore, it has been classified as a Variant of Uncertain Significance.

Ambry Genetics
Classification: Uncertain significance for Inborn genetic diseases. Last evaluated: 2025-08-07. Review status: criteria provided, single submitter. Criteria: Ambry Variant Classification Scheme 2023. Collection method: clinical testing. Allele origin: germline.